The following is an entry in ClinVar:

ClinVar aggregate classification (germline): Uncertain significance (1 of 4 stars; one submission).

Conditions:
Familial adenomatous polyposis 1 (FAP1). Also called: FAMILIAL ADENOMATOUS POLYPOSIS 1, ATTENUATED; POLYPOSIS, ADENOMATOUS INTESTINAL. Identifiers: MedGen C2713442, MONDO:0021056, OMIM 175100. Disease mechanism: loss of function.

Allele frequency attached by ClinVar (database versions not stated): gnomAD 0.00001.

Submission:

Labcorp Genetics (formerly Invitae), Labcorp
Classification: Uncertain significance for Familial adenomatous polyposis 1. Last evaluated: 2025-01-29. Review status: criteria provided, single submitter. Criteria: Invitae Variant Classification Sherloc (09022015). Collection method: clinical testing. Allele origin: germline.
Comment: This variant occurs in a non-coding region of the APC gene. It does not change the encoded amino acid sequence of the APC protein. This variant is not present in population databases (gnomAD no frequency). This variant has not been reported in the literature in individuals affected with APC-related conditions. Experimental studies and prediction algorithms are not available or were not evaluated, and the functional significance of this variant is currently unknown. In summary, the available evidence is currently insufficient to determine the role of this variant in disease. Therefore, it has been classified as a Variant of Uncertain Significance.

NM_001127511.3(APC):c.61G>T (p.Val21Phe)

Gene: APC (APC regulator of Wnt signaling pathway; plus strand). Cytogenetic location: 5q22.2.
Variant type: single nucleotide variant.
Coding change: c.61G>T on transcript NM_001127511.3; coding-DNA position 61, G replaced by T.
Protein change: p.Val21Phe; replaces valine 21 with phenylalanine.
Molecular consequence: missense variant. On other transcripts: 5 prime UTR variant (8), intron variant (5), non-coding transcript variant (1).
Genome position (GRCh38, 1-based): chr5:112,707,778, G>T. VCF-style: chr5-112707778-G-T. GRCh37 (hg19) VCF-style: chr5-112043475-G-T.
Other names: c.-123G>T (NM_001354895.2, NM_001407447.1, NM_001407452.1 and 3 more transcripts); c.-19+129G>T (NM_001407450.1, NM_001407457.1, NM_001407458.1 and 1 more transcripts); c.-43+129G>T (NM_001407453.1); c.61G>T, p.Val21Phe (NM_001354897.2, NM_001354902.2, NM_001407446.1); c.-1158G>T (NM_001407470.1, NM_001407472.1); short protein forms V21F.
Identifiers: ClinVar variation 1019358 (VCV001019358.9), dbSNP rs1750607281, ClinGen allele CA360611817.